The following is an entry in ClinVar:

ClinVar aggregate classification (germline): Pathogenic (1 of 4 stars; one submission).

Allele frequency attached by ClinVar (database versions not stated): gnomAD exomes 0.00001.

Submission:

Labcorp Genetics (formerly Invitae), Labcorp
Classification: Pathogenic. Last evaluated: 2021-04-27. Review status: criteria provided, single submitter. Criteria: Invitae Variant Classification Sherloc (09022015). Collection method: clinical testing. Allele origin: germline.
Comment: This variant has not been reported in the literature in individuals with OTOG-related conditions. The frequency data for this variant in the population databases is considered unreliable, as metrics indicate insufficient coverage at this position in the ExAC database. This sequence change creates a premature translational stop signal (p.Gln2406*) in the OTOG gene. It is expected to result in an absent or disrupted protein product. Loss-of-function variants in OTOG are known to be pathogenic (PMID: 23122587). For these reasons, this variant has been classified as Pathogenic.

Literature cited by the submitters: PubMed 23122587.

NM_001292063.2(OTOG):c.7180C>T (p.Gln2394Ter)

Gene: OTOG (otogelin; plus strand). Cytogenetic location: 11p15.1.
Variant type: single nucleotide variant.
Coding change: c.7180C>T on transcript NM_001292063.2 (MANE Select); coding-DNA position 7180, C replaced by T.
Protein change: p.Gln2394Ter; replaces glutamine 2394 with a stop codon.
Molecular consequence: nonsense.
Genome position (GRCh38, 1-based): chr11:17,633,787, C>T. VCF-style: chr11-17633787-C-T. GRCh37 (hg19) VCF-style: chr11-17655334-C-T.
Other names: c.7216C>T, p.Gln2406Ter (NM_001277269.2); short protein forms Q2394*, Q2406*.
Identifiers: ClinVar variation 1456548 (VCV001456548.6), dbSNP rs1462915298, ClinGen allele CA379811478.